The following is an entry in ClinVar:

NM_182760.4(SUMF1):c.79C>G (p.Leu27Val)

Gene: SUMF1 (sulfatase modifying factor 1; minus strand). Cytogenetic location: 3p26.1.
Variant type: single nucleotide variant.
Coding change: c.79C>G on transcript NM_182760.4 (MANE Select); coding-DNA position 79, C replaced by G.
Protein change: p.Leu27Val; replaces leucine 27 with valine.
Molecular consequence: missense variant.
Genome position (GRCh38, 1-based): chr3:4,467,167, G>C on the plus strand (C>G on the coding strand, the complement: SUMF1 is on the minus strand). VCF-style: chr3-4467167-G-C. GRCh37 (hg19) VCF-style: chr3-4508851-G-C.
Other names: c.79C>G, p.Leu27Val (NM_001164674.2, NM_001164675.2); short protein forms L27V.
Identifiers: ClinVar variation 1511361 (VCV001511361.5), dbSNP rs771193676, ClinGen allele CA2230718.

ClinVar aggregate classification (germline): Uncertain significance (1 of 4 stars; one submission).

Conditions:
Multiple sulfatase deficiency (MSD). Also called: Mucosulfatidosis; Multiple Sulfatase Deficiency Disease; Sulfatidosis, Juvenile, Austin Type. Identifiers: Orphanet 585, MedGen C0268263, MONDO:0010088, OMIM 272200.

Allele frequency attached by ClinVar (database versions not stated): gnomAD exomes below 0.00001 and 0.00001; TOPMed 0.00001.
gnomAD v4.1: 13 of 1,605,716 alleles (0.00081%); highest among the groups gnomAD compares: Non-Finnish European, 0.0011%; no homozygotes.

Submission:

Labcorp Genetics (formerly Invitae), Labcorp
Classification: Uncertain significance for Multiple sulfatase deficiency. Last evaluated: 2022-02-10. Review status: criteria provided, single submitter. Criteria: Invitae Variant Classification Sherloc (09022015). Collection method: clinical testing. Allele origin: germline.
Comment: This sequence change replaces leucine, which is neutral and non-polar, with valine, which is neutral and non-polar, at codon 27 of the SUMF1 protein (p.Leu27Val). This variant is present in population databases (rs771193676, gnomAD 0.002%). This variant has not been reported in the literature in individuals affected with SUMF1-related conditions. Algorithms developed to predict the effect of missense changes on protein structure and function are either unavailable or do not agree on the potential impact of this missense change (SIFT: "Deleterious"; PolyPhen-2: "Possibly Damaging"; Align-GVGD: "Class C0"). In summary, the available evidence is currently insufficient to determine the role of this variant in disease. Therefore, it has been classified as a Variant of Uncertain Significance.